The following is an entry in ClinVar:

ClinVar aggregate classification (germline): Uncertain significance (1 of 4 stars; one submission).

Submission:

Department of Molecular Genetics, Istishari Arab Hospital
Classification: Uncertain significance. Last evaluated: 2026-09-15. Review status: criteria provided, single submitter. Criteria: ACMG Guidelines, 2015. Collection method: clinical testing. Allele origin: germline. Inheritance: Autosomal dominant inheritance. Affected: yes.
Comment: A heterozygous variant of uncertain significance was identified in the KIRREL3 gene. Heterozygous variants in KIRREL3 have been reported in individuals with neurodevelopmental phenotypes including developmental delay, intellectual disability, speech and language impairment, autism spectrum disorder, behavioral abnormalities, and attention-deficit/hyperactivity disorder (PMIDs: 29271092, 32503885, 37007974). However, the gene–disease relationship between KIRREL3 and autosomal dominant complex neurodevelopmental disorder is currently classified as Disputed by the ClinGen Intellectual Disability and Autism Gene Curation Expert Panel (ClinGen Curation ID: CCID:005235; classification date: 08 November 2023), and the gene is not listed as a disease-associated gene in the OMIM or Orphanet databases. Therefore, the clinical relevance of the identified variant in this gene of uncertain significance (GUS) remains unclear.

Literature cited by the submitters: PubMed 29271092; PubMed 32503885; PubMed 37007974.

NM_032531.4(KIRREL3):c.1709T>A (p.Val570Asp)

Gene: KIRREL3 (kirre like nephrin family adhesion molecule 3; minus strand). Cytogenetic location: 11q24.2.
Variant type: single nucleotide variant.
Coding change: c.1709T>A on transcript NM_032531.4 (MANE Select); coding-DNA position 1709, T replaced by A.
Protein change: p.Val570Asp; replaces valine 570 with aspartic acid.
Molecular consequence: missense variant.
Genome position (GRCh38, 1-based): chr11:126,429,276, A>T on the plus strand (T>A on the coding strand, the complement: KIRREL3 is on the minus strand). VCF-style: chr11-126429276-A-T. GRCh37 (hg19) VCF-style: chr11-126299171-A-T.
Other names: p.Val570Asp; c.1673T>A, p.Val558Asp (NM_001301097.2); c.1748T>A, p.Val583Asp (NM_001441251.1, NM_001441254.1); c.1817T>A, p.Val606Asp (NM_001441252.1); c.1784T>A, p.Val595Asp (NM_001441253.1); c.1742T>A, p.Val581Asp (NM_001441255.1); c.1712T>A, p.Val571Asp (NM_001441256.1); c.1709T>A, p.Val570Asp (NM_001441257.1, NM_001441258.1); and 4 more; short protein forms V508D, V522D, V544D, V556D, V558D, V570D, V571D, V581D.
Identifiers: ClinVar variation 5016449 (VCV005016449.1).